The following is an entry in ClinVar:

ClinVar aggregate classification (germline): Uncertain significance (1 of 4 stars; one submission).

Submission:

GeneDx
Classification: Uncertain significance. Last evaluated: 2023-07-02. Review status: criteria provided, single submitter. Criteria: GeneDx Variant Classification Process June 2021. Collection method: clinical testing. Allele origin: germline. Affected: yes.
Comment: Not observed at significant frequency in large population cohorts (gnomAD); In silico analysis supports that this missense variant does not alter protein structure/function; Has not been previously published as pathogenic or benign to our knowledge

NM_130839.5(UBE3A):c.343G>C (p.Ala115Pro)

Genes: SNHG14 (small nucleolar RNA host gene 14; plus strand), UBE3A (ubiquitin protein ligase E3A; minus strand). Cytogenetic location: 15q11.2.
Variant type: single nucleotide variant.
Coding change: c.343G>C on transcript NM_130839.5 (MANE Select); coding-DNA position 343, G replaced by C.
Protein change: p.Ala115Pro; replaces alanine 115 with proline.
Molecular consequence: missense variant. On other transcripts: non-coding transcript variant (1).
Genome position (GRCh38, 1-based): chr15:25,375,483, C>G on the plus strand (G>C on the coding strand, the complement: UBE3A is on the minus strand). VCF-style: chr15-25375483-C-G. GRCh37 (hg19) VCF-style: chr15-25620630-C-G.
Other names: c.283G>C, p.Ala95Pro (NM_001354541.2, NM_001354542.2, NM_001354543.2 and 18 more transcripts); c.343G>C, p.Ala115Pro (NM_001354545.2, NM_001354550.2, NM_001354505.1 and 1 more transcripts); c.166G>C, p.Ala56Pro (NM_001354546.2); c.352G>C, p.Ala118Pro (NM_000462.5); short protein forms A115P, A118P, A56P, A95P.
Identifiers: ClinVar variation 3342974 (VCV003342974.1).